The following is an entry in ClinVar:

ClinVar aggregate classification (germline): Uncertain significance (1 of 4 stars; one submission).

gnomAD v4.1: 4 of 1,595,222 alleles (0.00025%); highest among the groups gnomAD compares: African/African-American, 0.0027%; no homozygotes.

Submission:

Labcorp Genetics (formerly Invitae), Labcorp
Classification: Uncertain significance. Last evaluated: 2025-07-30. Review status: criteria provided, single submitter. Criteria: Invitae Variant Classification Sherloc (09022015). Collection method: clinical testing. Allele origin: germline.
Comment: This sequence change replaces phenylalanine, which is neutral and non-polar, with leucine, which is neutral and non-polar, at codon 444 of the MKL1 protein (p.Phe444Leu). This variant is present in population databases (rs769283239, gnomAD 0.009%). This variant has not been reported in the literature in individuals affected with MKL1-related conditions. ClinVar contains an entry for this variant (Variation ID: 3649793). An algorithm developed to predict the effect of missense changes on protein structure and function (PolyPhen-2) suggests that this variant is likely to be disruptive. In summary, the available evidence is currently insufficient to determine the role of this variant in disease. Therefore, it has been classified as a Variant of Uncertain Significance.

NM_020831.6(MRTFA):c.1632T>G (p.Phe544Leu)

Gene: MRTFA (myocardin related transcription factor A; minus strand). Cytogenetic location: 22q13.1.
Variant type: single nucleotide variant.
Coding change: c.1632T>G on transcript NM_020831.6 (MANE Select); coding-DNA position 1632, T replaced by G.
Protein change: p.Phe544Leu; replaces phenylalanine 544 with leucine.
Molecular consequence: missense variant.
Genome position (GRCh38, 1-based): chr22:40,419,106, A>C on the plus strand (T>G on the coding strand, the complement: MRTFA is on the minus strand). VCF-style: chr22-40419106-A-C. GRCh37 (hg19) VCF-style: chr22-40815110-A-C.
Other names: c.1332T>G, p.Phe444Leu (NM_001282660.2); c.1482T>G, p.Phe494Leu (NM_001282661.3); c.1632T>G, p.Phe544Leu (NM_001282662.3); c.1437T>G, p.Phe479Leu (NM_001318139.2); short protein forms F444L, F544L, F479L, F494L.
Identifiers: ClinVar variation 3649793 (VCV003649793.2).